The following is an entry in ClinVar:

ClinVar aggregate classification (germline): Uncertain significance. Review status: criteria provided, multiple submitters, no conflicts (2 of 4 stars). 2 submissions from 2 submitters: Uncertain significance (2). Last evaluated 2025-05-22.

Conditions:
OPA3-related disorder. Also called: OPA3-related condition.
Optic atrophy 3 (OPA3). Also called: Optic atrophy 3 with cataract; OPTIC ATROPHY 3, AUTOSOMAL DOMINANT; Optic atrophy, cataract, and neurologic disorder. Identifiers: Orphanet 67036, MedGen C1833809, MONDO:0008133, OMIM 165300.
3-Methylglutaconic aciduria type 3 (MGCA3). Also called: OPA3-Related 3-Methylglutaconic Aciduria; Costeff Syndrome; OPA3, AUTOSOMAL RECESSIVE; OPTIC ATROPHY 3, AUTOSOMAL RECESSIVE. Identifiers: Orphanet 67047, MedGen C0574084, MONDO:0009787, OMIM 258501.

Allele frequency attached by ClinVar (database versions not stated): TOPMed below 0.00001.

Submissions (2):

PreventionGenetics, part of Exact Sciences
Classification: Uncertain significance for OPA3-related condition. Last evaluated: 2025-05-22. Review status: criteria provided, single submitter. Criteria: ACMG Guidelines, 2015. Collection method: clinical testing. Allele origin: germline.
Comment: The OPA3 c.514C>T variant is predicted to result in the amino acid substitution p.His172Tyr. To our knowledge, this variant has not been reported in the literature or in a large population database (gnomAD), indicating this variant is rare. At this time, the clinical significance of this variant is uncertain due to the absence of conclusive functional and genetic evidence.

Labcorp Genetics (formerly Invitae), Labcorp
Classification: Uncertain significance for 3-Methylglutaconic aciduria type 3; Optic atrophy 3. Last evaluated: 2021-09-24. Review status: criteria provided, single submitter. Criteria: Invitae Variant Classification Sherloc (09022015). Collection method: clinical testing. Allele origin: germline.
Comment: This sequence change replaces histidine with tyrosine at codon 172 of the OPA3 protein (p.His172Tyr). The histidine residue is weakly conserved and there is a moderate physicochemical difference between histidine and tyrosine. This variant is not present in population databases (ExAC no frequency). This variant has not been reported in the literature in individuals with OPA3-related conditions. Algorithms developed to predict the effect of missense changes on protein structure and function (SIFT, PolyPhen-2, Align-GVGD) all suggest that this variant is likely to be tolerated, but these predictions have not been confirmed by published functional studies and their clinical significance is uncertain. In summary, the available evidence is currently insufficient to determine the role of this variant in disease. Therefore, it has been classified as a Variant of Uncertain Significance.

NM_025136.4(OPA3):c.514C>T (p.His172Tyr)

Genes: OPA3 (outer mitochondrial membrane lipid metabolism regulator OPA3; minus strand), OPA3-RTN2 (OPA3-RTN2 readthrough; minus strand). Cytogenetic location: 19q13.32.
Variant type: single nucleotide variant.
Coding change: c.514C>T on transcript NM_025136.4 (MANE Select); coding-DNA position 514, C replaced by T.
Protein change: p.His172Tyr; replaces histidine 172 with tyrosine.
Molecular consequence: missense variant. On other transcripts: intron variant (1).
Genome position (GRCh38, 1-based): chr19:45,553,540, G>A on the plus strand (C>T on the coding strand, the complement: OPA3 is on the minus strand). VCF-style: chr19-45553540-G-A. GRCh37 (hg19) VCF-style: chr19-46056798-G-A.
Other names: c.143-24084C>T (NM_001017989.3); c.514C>T (NM_025136.3); short protein forms H172Y.
Identifiers: ClinVar variation 1436123 (VCV001436123.6), dbSNP rs1293731096, ClinGen allele CA406369612.